The following is an entry in ClinVar:

ClinVar aggregate classification (germline): Pathogenic (1 of 4 stars; one submission).

Conditions:
Ehlers-Danlos syndrome, classic type, 1 (EDSCL1). Also called: EDS I; EHLERS-DANLOS SYNDROME, GRAVIS TYPE; EHLERS-DANLOS SYNDROME, SEVERE CLASSIC TYPE; Ehlers-Danlos Syndrome, Classic Type, COL5A1-Related; Ehlers-Danlos syndrome, type 1. Identifiers: MedGen C0268335, MONDO:0019567, OMIM 130000.

Submission:

Labcorp Genetics (formerly Invitae), Labcorp
Classification: Pathogenic for Ehlers-Danlos syndrome, classic type, 1. Last evaluated: 2018-07-01. Review status: criteria provided, single submitter. Criteria: Invitae Variant Classification Sherloc (09022015). Collection method: clinical testing. Allele origin: germline.
Comment: For these reasons, this variant has been classified as Pathogenic. This sequence change creates a premature translational stop signal (p.Phe887Serfs*187) in the COL5A1 gene. It is expected to result in an absent or disrupted protein product. This variant is not present in population databases (ExAC no frequency). This variant has not been reported in the literature in individuals with COL5A1-related disease. Loss-of-function variants in COL5A1 are known to be pathogenic (PMID: 23587214).

Literature cited by the submitters: PubMed 23587214.

NM_000093.5(COL5A1):c.2660del (p.Phe887fs)

Gene: COL5A1 (collagen type V alpha 1 chain; plus strand). Cytogenetic location: 9q34.3.
Variant type: Deletion.
Coding change: c.2660del on transcript NM_000093.5 (MANE Select); coding-DNA position 2660, one base deleted (T; older notation c.2660delT).
Protein change: p.Phe887fs; shifts the reading frame from phenylalanine 887.
Molecular consequence: frameshift variant.
Genome position (GRCh38, 1-based): chr9:134,789,168, T deleted; the last of 2 consecutive T bases (chr9:134,789,167-134,789,168); deleting either gives the same sequence. VCF-style (leftmost placement, unchanged base first): chr9-134789166-AT-A. GRCh37 (hg19) VCF-style: chr9-137681012-AT-A.
Other names: c.2660delT (NM_000093.4); c.2660del, p.Phe887fs (NM_001278074.1); short protein forms F887fs.
Identifiers: ClinVar variation 660180 (VCV000660180.8), dbSNP rs1588551159, ClinGen allele CA915947276.